The following is an entry in ClinVar:

NM_207352.4(CYP4V2):c.1355G>A (p.Arg452His)

Gene: CYP4V2 (cytochrome P450 family 4 subfamily V member 2; plus strand). Cytogenetic location: 4q35.2.
Variant type: single nucleotide variant.
Coding change: c.1355G>A on transcript NM_207352.4 (MANE Select); coding-DNA position 1355, G replaced by A.
Protein change: p.Arg452His; replaces arginine 452 with histidine.
Molecular consequence: missense variant.
Genome position (GRCh38, 1-based): chr4:186,209,222, G>A. VCF-style: chr4-186209222-G-A. GRCh37 (hg19) VCF-style: chr4-187130376-G-A.
Other names: short protein forms R452H.
Identifiers: ClinVar variation 1008107 (VCV001008107.11), dbSNP rs149681054, ClinGen allele CA3162840.
Genomic context (GRCh38, chr4:186,209,222, plus strand): 5'-ACTTCCCCAACCCCGAGGAGTTCCAGCCTGAGCGGTTCTTCCCCGAGAATGCACAAGGGC[G>A]CCATCCATATGCCTACGTGCCCTTCTCTGCTGGCCCCAGGAACTGTATAGGTTTGTATCC-3'
Protein context (NP_997235.3, residues 442-462): ERFFPENAQG[Arg452His]HPYAYVPFSA

ClinVar aggregate classification (germline): Conflicting classifications of pathogenicity. Review status: criteria provided, conflicting classifications (1 of 4 stars). 4 submissions from 4 submitters: Likely pathogenic (1); Uncertain significance (2). 1 of the submissions does not count toward it. Last evaluated 2024-10-15.

Conditions:
CYP4V2-related disorder. Also called: CYP4V2-related disorders; CYP4V2-related condition.
Bietti crystalline corneoretinal dystrophy (BCD). Also called: BIETTI TAPETORETINAL DEGENERATION WITH MARGINAL CORNEAL DYSTROPHY; Bietti Crystalline Dystrophy. Identifiers: Orphanet 41751, MedGen C1859486, MONDO:0008865, OMIM 210370.
Retinitis pigmentosa (RP). Identifiers: Orphanet 791, MedGen C0035334, MeSH D012174, MONDO:0019200, OMIM 268000. Inheritance: Autosomal dominant, autosomal recessive and X linked inheritance.

Allele frequency attached by ClinVar (database versions not stated): gnomAD 0.00007 and 0.00008; gnomAD exomes 0.00009 and 0.00010; TOPMed 0.00011; ExAC 0.00012; ESP Exome Variant Server 0.00023.
gnomAD v4.1: 148 of 1,613,820 alleles (0.0092%); highest among the groups gnomAD compares: Middle Eastern, 0.016%; no homozygotes.

Submissions (4):

Blueprint Genetics
Classification: Likely pathogenic for CYP4V2-related disorders. Last evaluated: 2024-10-15. Review status: criteria provided, single submitter. Criteria: ACMG Guidelines, 2015. Collection method: clinical testing. Allele origin: germline. Affected: yes. Observed: 5 variant alleles.

Centre for Human Genetics, University of Kinshasa
Classification: Uncertain significance for Bietti crystalline corneoretinal dystrophy. Last evaluated: 2024-03-07. Review status: criteria provided, single submitter. Criteria: ACMG Guidelines, 2015. Collection method: research. Allele origin: unknown. Inheritance: Autosomal recessive inheritance. Affected: yes. Observed: 1 compound heterozygote.
Comment: The variants in a gene (CYP4V2) are previously associated with Bietti crystalline corneoretinal dystrophy.This missense variant is present in gnomAD population database, no homozygous individuals. This variant has been submitted in ClinVar as uncertain significance with evidence conflict (1 VUS, 1P; Accession: VCV001008107.7). Computational prediction tools unanimously support a deleterious effect on the gene. Reputable source recently reports variant as pathogenic, but the evidence is not available to the laboratory to perform an independent evaluation. Both parents were unavailable for testing. This variant was assumed to be in trans with the missense NM_207352.4:c.772C>T (p.Leu258Phe) on the other chromosome, matching with the known mode of inheritance and with the assumption of compound heterozygosity as the most likely genotype.

Labcorp Genetics (formerly Invitae), Labcorp
Classification: Uncertain significance. Last evaluated: 2022-10-24. Review status: criteria provided, single submitter. Criteria: Invitae Variant Classification Sherloc (09022015). Collection method: clinical testing. Allele origin: germline.
Comment: This sequence change replaces arginine, which is basic and polar, with histidine, which is basic and polar, at codon 452 of the CYP4V2 protein (p.Arg452His). This variant is present in population databases (rs149681054, gnomAD 0.01%). This missense change has been observed in individual(s) with Bietti crystalline corneoretinal dystrophy (PMID: 28051075, 33090715). ClinVar contains an entry for this variant (Variation ID: 1008107). Advanced modeling of protein sequence and biophysical properties (such as structural, functional, and spatial information, amino acid conservation, physicochemical variation, residue mobility, and thermodynamic stability) has been performed at Invitae for this missense variant, however the output from this modeling did not meet the statistical confidence thresholds required to predict the impact of this variant on CYP4V2 protein function. In summary, the available evidence is currently insufficient to determine the role of this variant in disease. Therefore, it has been classified as a Variant of Uncertain Significance.

The Key Laboratory for Human Disease Gene Study of Sichuan Province, Sichuan Academy of Medical Sciences & Sichuan Provincial People’s Hospital
Classification: Pathogenic for Retinitis pigmentosa. Last evaluated: 2021-06-01. Review status: no assertion criteria provided. Collection method: case-control. Allele origin: inherited. Inheritance: Autosomal recessive inheritance. Affected: yes. Not counted in ClinVar's aggregate classification.
Comment: It provides a new screening target for prenatal diagnosis of retinis pigmentosa.

Literature cited by the submitters: PubMed 28051075 (cited by Labcorp Genetics (formerly Invitae), Labcorp); PubMed 33090715 (cited by Labcorp Genetics (formerly Invitae), Labcorp); DOI 10.1038/ejhg.2016.184 (cited by The Key Laboratory for Human Disease Gene Study of Sichuan Province, Sichuan Academy of Medical Sciences & Sichuan Provincial People’s Hospital).